The following is an entry in ClinVar:

ClinVar aggregate classification (germline): Benign/Likely benign. Review status: criteria provided, multiple submitters, no conflicts (2 of 4 stars). 2 submissions from 2 submitters: Benign (1); Likely benign (1). Last evaluated 2025-12-01.

Allele frequency attached by ClinVar (database versions not stated): ExAC 0.00069; gnomAD 0.00216 and 0.00232; 1000 Genomes Project 0.00240; ESP Exome Variant Server 0.00246; TOPMed 0.00257; 1000 Genomes Project 30x 0.00281.
gnomAD v4.1: 655 of 1,613,316 alleles (0.041%); highest among the groups gnomAD compares: African/African-American, 0.71%; no homozygotes.

Submissions (2):

CeGaT Center for Human Genetics Tuebingen
Classification: Likely benign. Last evaluated: 2025-12-01. Review status: criteria provided, single submitter. Criteria: CeGaT Center For Human Genetics Tuebingen Variant Classification Criteria Version 2. Collection method: clinical testing. Allele origin: germline. Affected: yes. Observed: 1 variant allele.
Comment: FIBP: BP4, BP7

Labcorp Genetics (formerly Invitae), Labcorp
Classification: Benign. Last evaluated: 2019-12-31. Review status: criteria provided, single submitter. Criteria: Invitae Variant Classification Sherloc (09022015). Collection method: clinical testing. Allele origin: germline.

NM_004214.5(FIBP):c.645C>T (p.Val215=)

Gene: FIBP (FGF1 intracellular binding protein; minus strand). Cytogenetic location: 11q13.1.
Variant type: single nucleotide variant.
Coding change: c.645C>T on transcript NM_004214.5 (MANE Select); coding-DNA position 645, C replaced by T.
Protein change: p.Val215=; no amino-acid change (valine 215 retained).
Molecular consequence: synonymous variant.
Genome position (GRCh38, 1-based): chr11:65,885,531, G>A on the plus strand (C>T on the coding strand, the complement: FIBP is on the minus strand). VCF-style: chr11-65885531-G-A. GRCh37 (hg19) VCF-style: chr11-65653002-G-A.
Other names: c.645C>T, p.Val215= (NM_198897.2).
Identifiers: ClinVar variation 781006 (VCV000781006.9), dbSNP rs34330224, ClinGen allele CA6111489.